The following is an entry in ClinVar:

ClinVar aggregate classification (germline): Benign/Likely benign. Review status: criteria provided, multiple submitters, no conflicts (2 of 4 stars). 7 submissions from 7 submitters: Benign (4); Likely benign (3). Last evaluated 2026-04-01.

Conditions:
Ehlers-Danlos syndrome (EDS). Identifiers: Orphanet 98249, MedGen C0013720, MONDO:0020066.
Inborn genetic diseases. Identifiers: MedGen C0950123, MeSH D030342.
X-linked distal spinal muscular atrophy type 3. Also called: NEURONOPATHY, DISTAL HEREDITARY MOTOR, X-LINKED; NEUROPATHY, DISTAL HEREDITARY MOTOR, X-LINKED; SPINAL MUSCULAR ATROPHY, DISTAL, X-LINKED RECESSIVE; ATP7A-Related Distal Motor Neuropathy. Identifiers: Orphanet 139557, MedGen C1845359, MONDO:0010338, OMIM 300489.
Cutis laxa, X-linked (OHS). Also called: EDS IX; Occipital horn syndrome. Identifiers: Orphanet 198, MedGen C0268353, MONDO:0010572, OMIM 304150.
Menkes kinky-hair syndrome (MNK). Also called: Classic Menkes Disease; Copper transport disease; Menkes Disease. Identifiers: Orphanet 565, MedGen C0022716, MONDO:0010651, OMIM 309400.

Allele frequency attached by ClinVar (database versions not stated): gnomAD 0.00015 and 0.00018; gnomAD exomes 0.00015 and 0.00041; TOPMed 0.00022; ExAC 0.00034; 1000 Genomes Project 30x 0.00042; 1000 Genomes Project 0.00053.
gnomAD v4.1: 198 of 1,208,802 alleles (0.016%); highest among the groups gnomAD compares: East Asian, 0.28%; 1 homozygote.

Submissions (7):

CeGaT Center for Human Genetics Tuebingen
Classification: Likely benign. Last evaluated: 2026-04-01. Review status: criteria provided, single submitter. Criteria: CeGaT Center For Human Genetics Tuebingen Variant Classification Criteria Version 2. Collection method: clinical testing. Allele origin: germline. Affected: yes. Observed: 4 variant alleles.
Comment: ATP7A: BP4, BP7, BS2

Labcorp Genetics (formerly Invitae), Labcorp
Classification: Benign for X-linked distal spinal muscular atrophy type 3; Cutis laxa, X-linked; Menkes kinky-hair syndrome. Last evaluated: 2026-02-01. Review status: criteria provided, single submitter. Criteria: Invitae Variant Classification Sherloc (09022015). Collection method: clinical testing. Allele origin: germline.

Blueprint Genetics
Classification: Likely benign. Last evaluated: 2024-07-04. Review status: criteria provided, single submitter. Criteria: ACMG Guidelines, 2015. Collection method: clinical testing. Allele origin: germline.

GeneDx
Classification: Benign. Last evaluated: 2021-01-14. Review status: criteria provided, single submitter. Criteria: GeneDx Variant Classification Process June 2021. Collection method: clinical testing. Allele origin: germline. Affected: yes.

Genome Diagnostics Laboratory, The Hospital for Sick Children
Classification: Likely benign for Ehlers-Danlos syndrome. Last evaluated: 2019-12-01. Review status: criteria provided, single submitter. Criteria: ACMG Guidelines, 2015. Collection method: clinical testing. Allele origin: germline.

ARUP Laboratories, Molecular Genetics and Genomics, ARUP Laboratories
Classification: Benign. Last evaluated: 2018-02-22. Review status: criteria provided, single submitter. Criteria: ARUP Molecular Germline Variant Investigation Process. Collection method: clinical testing. Allele origin: germline.

Ambry Genetics
Classification: Benign for Inborn genetic diseases. Last evaluated: 2017-08-07. Review status: criteria provided, single submitter. Criteria: Ambry Variant Classification Scheme 2023. Collection method: clinical testing. Allele origin: germline.

NM_000052.7(ATP7A):c.1737A>G (p.Val579=)

Gene: ATP7A (ATPase copper transporting alpha; plus strand). Cytogenetic location: Xq21.1.
Variant type: single nucleotide variant.
Coding change: c.1737A>G on transcript NM_000052.7 (MANE Select); coding-DNA position 1737, A replaced by G.
Protein change: p.Val579=; no amino-acid change (valine 579 retained).
Molecular consequence: synonymous variant.
Genome position (GRCh38, 1-based): chrX:78,009,131, A>G. VCF-style: chrX-78009131-A-G. GRCh37 (hg19) VCF-style: chrX-77264628-A-G.
Other names: c.1737A>G, p.Val579= (NM_001282224.2).
Identifiers: ClinVar variation 384813 (VCV000384813.49), dbSNP rs189353691, ClinGen allele CA10459099.